The following is an entry in ClinVar:

ClinVar aggregate classification (germline): Benign/Likely benign. Review status: criteria provided, multiple submitters, no conflicts (2 of 4 stars). 11 submissions from 11 submitters: Benign (2); Likely benign (8). 1 of the submissions does not count toward it. Last evaluated 2026-01-16.

Conditions:
Familial cancer of breast. Also called: BREAST CANCER, FAMILIAL; hereditary breast carcinoma; Hereditary breast cancer. Identifiers: Orphanet 227535, MedGen C0346153, MONDO:0016419, OMIM 114480. Disease mechanism: loss of function.
PALB2-related disorder. Also called: PALB2-related disorders; PALB2-related condition.
Breast-ovarian cancer, familial, susceptibility to, 5 (BROVCA5). Identifiers: MedGen C5830615, MONDO:0957530, OMIM 620442.
Hereditary cancer-predisposing syndrome. Also called: Tumor predisposition; Hereditary Cancer Syndrome; Hereditary neoplastic syndrome; Neoplastic Syndromes, Hereditary. Identifiers: Orphanet 140162, MedGen C0027672, MeSH D009386, MONDO:0015356.

Allele frequency attached by ClinVar (database versions not stated): TOPMed below 0.00001; gnomAD 0.00001; gnomAD exomes 0.00001 and 0.00002; ExAC 0.00002.
gnomAD v4.1: 20 of 1,614,198 alleles (0.0012%); highest among the groups gnomAD compares: Middle Eastern, 0.099%; no homozygotes.

Submissions (11):

Labcorp Genetics (formerly Invitae), Labcorp
Classification: Benign for Familial cancer of breast. Last evaluated: 2026-01-16. Review status: criteria provided, single submitter. Criteria: Invitae Variant Classification Sherloc (09022015). Collection method: clinical testing. Allele origin: germline.

Myriad Genetics, Inc.
Classification: Benign for Familial cancer of breast. Last evaluated: 2025-01-15. Review status: criteria provided, single submitter. Criteria: Myriad Autosomal Dominant, Autosomal Recessive and X-Linked Classification Criteria (2023). Collection method: clinical testing. Allele origin: unknown.
Comment: This variant is considered benign. This variant is a silent/synonymous amino acid change and it is not expected to impact splicing.

Blueprint Genetics
Classification: Likely benign. Last evaluated: 2024-03-26. Review status: criteria provided, single submitter. Criteria: ACMG Guidelines, 2015. Collection method: clinical testing. Allele origin: germline.

Women's Health and Genetics/Laboratory Corporation of America, LabCorp
Classification: Likely benign. Last evaluated: 2024-01-20. Review status: criteria provided, single submitter. Criteria: LabCorp Variant Classification Summary - May 2015. Collection method: clinical testing. Allele origin: germline.

KCCC/NGS Laboratory, Kuwait Cancer Control Center
Classification: Likely benign for Breast-ovarian cancer, familial, susceptibility to, 5. Last evaluated: 2023-07-07. Review status: criteria provided, single submitter. Criteria: ACMG Guidelines, 2015. Collection method: clinical testing. Allele origin: germline. Affected: yes.

GeneDx
Classification: Likely benign. Last evaluated: 2020-05-08. Review status: criteria provided, single submitter. Criteria: GeneDx Variant Classification Process June 2021. Collection method: clinical testing. Allele origin: germline. Affected: yes.

Mendelics
Classification: Likely benign for Familial cancer of breast. Last evaluated: 2019-05-28. Review status: criteria provided, single submitter. Criteria: Mendelics Assertion Criteria 2017. Collection method: clinical testing. Allele origin: unknown.

Color Diagnostics, LLC DBA Color Health
Classification: Likely benign for Hereditary cancer-predisposing syndrome. Last evaluated: 2016-09-01. Review status: criteria provided, single submitter. Criteria: ACMG Guidelines, 2015. Collection method: clinical testing. Allele origin: germline.

Ambry Genetics
Classification: Likely benign for Hereditary cancer-predisposing syndrome. Last evaluated: 2016-02-03. Review status: criteria provided, single submitter. Criteria: Ambry Variant Classification Scheme 2023. Collection method: clinical testing. Allele origin: germline.

Breakthrough Genomics
Classification: Likely benign. Review status: criteria provided, single submitter. Criteria: ACMG Guidelines, 2015. Collection method: not provided. Allele origin: germline. Inheritance: Autosomal dominant inheritance. Affected: yes.

PreventionGenetics, part of Exact Sciences
Classification: Likely benign for PALB2-related condition. Last evaluated: 2020-02-17. Review status: no assertion criteria provided. Collection method: clinical testing. Allele origin: germline. Not counted in ClinVar's aggregate classification.
Comment: This variant is classified as likely benign based on ACMG/AMP sequence variant interpretation guidelines (Richards et al. 2015 PMID: 25741868, with internal and published modifications).

NM_024675.4(PALB2):c.1923A>G (p.Lys641=)

Gene: PALB2 (partner and localizer of BRCA2; minus strand). Cytogenetic location: 16p12.2.
Variant type: single nucleotide variant.
Coding change: c.1923A>G on transcript NM_024675.4 (MANE Select); coding-DNA position 1923, A replaced by G.
Protein change: p.Lys641=; no amino-acid change (lysine 641 retained).
Molecular consequence: synonymous variant.
Genome position (GRCh38, 1-based): chr16:23,630,231, T>C on the plus strand (A>G on the coding strand, the complement: PALB2 is on the minus strand). VCF-style: chr16-23630231-T-C. GRCh37 (hg19) VCF-style: chr16-23641552-T-C.
Identifiers: ClinVar variation 415981 (VCV000415981.28), dbSNP rs775283927, ClinGen allele CA7963645.